The following is an entry in ClinVar:

NM_025179.4(PLXNA2):c.55_58del (p.Val19fs)

Gene: PLXNA2 (plexin A2; minus strand). Cytogenetic location: 1q32.2.
Variant type: Deletion.
Coding change: c.55_58del on transcript NM_025179.4 (MANE Select); coding-DNA positions 55 to 58, 4 bases deleted (GTCC; older notation c.55_58delGTCC).
Protein change: p.Val19fs; shifts the reading frame from valine 19.
Molecular consequence: frameshift variant.
Genome position (GRCh38, 1-based): chr1:208,217,865-208,217,868, GGAC deleted on the plus strand (GTCC on the coding strand, the reverse complement: PLXNA2 is on the minus strand). VCF-style (leftmost placement, unchanged base first): chr1-208217864-AGGAC-A. GRCh37 (hg19) VCF-style: chr1-208391209-AGGAC-A.
Other names: short protein forms V19fs.
Identifiers: ClinVar variation 4998406 (VCV004998406.1).
Genomic context (GRCh38, chr1:208,217,864, plus strand): 5'-GTGCTGAACTGAGGCATGCCGGCTGCTGGGGGGGCCAGCAGCACCCAGACCACTGAGAGC[AGGAC>A]CACAGAGCGGCTGTCCACCTCCAGGGCCCGGGGCCAGGGCCGCCTCTGTTCCATGCTGAG-3'

ClinVar aggregate classification (germline): Uncertain significance (1 of 4 stars; one submission).

Conditions:
PLXNA2-related disorder. Also called: PLXNA2-related condition.

Submission:

PreventionGenetics, part of Exact Sciences
Classification: Uncertain significance for PLXNA2-related condition. Last evaluated: 2025-04-28. Review status: criteria provided, single submitter. Criteria: ACMG Guidelines, 2015. Collection method: clinical testing. Allele origin: germline.
Comment: The PLXNA2 c.55_58delGTCC variant is predicted to result in a frameshift and premature protein termination (p.Val19Cysfs*34). To our knowledge, this variant has not been reported in the literature or in a large population database (gnomAD), indicating this variant is rare. Premature termination has not been established as a mechanism of disease for the PLXNA2 gene. At this time, the clinical significance of this variant is uncertain due to the absence of conclusive functional and genetic evidence.